The following is an entry in ClinVar:

ClinVar aggregate classification (germline): Uncertain significance (1 of 4 stars; one submission).

Conditions:
Baller-Gerold syndrome (BGS). Also called: CRANIOSYNOSTOSIS WITH RADIAL DEFECTS. Identifiers: Orphanet 1225, MedGen C0265308, MONDO:0009039, OMIM 218600.

Submission:

Labcorp Genetics (formerly Invitae), Labcorp
Classification: Uncertain significance for Baller-Gerold syndrome. Last evaluated: 2024-07-29. Review status: criteria provided, single submitter. Criteria: Invitae Variant Classification Sherloc (09022015). Collection method: clinical testing. Allele origin: germline.
Comment: This sequence change replaces serine, which is neutral and polar, with isoleucine, which is neutral and non-polar, at codon 750 of the RECQL4 protein (p.Ser750Ile). This variant is not present in population databases (gnomAD no frequency). This variant has not been reported in the literature in individuals affected with RECQL4-related conditions. Advanced modeling of protein sequence and biophysical properties (such as structural, functional, and spatial information, amino acid conservation, physicochemical variation, residue mobility, and thermodynamic stability) performed at Invitae indicates that this missense variant is not expected to disrupt RECQL4 protein function with a negative predictive value of 80%. In summary, the available evidence is currently insufficient to determine the role of this variant in disease. Therefore, it has been classified as a Variant of Uncertain Significance.

NM_004260.4(RECQL4):c.2249G>T (p.Ser750Ile)

Gene: RECQL4 (RecQ like helicase 4; minus strand). Cytogenetic location: 8q24.3.
Variant type: single nucleotide variant.
Coding change: c.2249G>T on transcript NM_004260.4 (MANE Select); coding-DNA position 2249, G replaced by T.
Protein change: p.Ser750Ile; replaces serine 750 with isoleucine.
Molecular consequence: missense variant. On other transcripts: non-coding transcript variant (3).
Genome position (GRCh38, 1-based): chr8:144,513,432, C>A on the plus strand (G>T on the coding strand, the complement: RECQL4 is on the minus strand). VCF-style: chr8-144513432-C-A. GRCh37 (hg19) VCF-style: chr8-145738816-C-A.
Other names: c.2249G>T, p.Ser750Ile (NM_001413018.1, NM_001413019.1, NM_001413036.1); c.2153G>T, p.Ser718Ile (NM_001413020.1, NM_001413017.1); c.1178G>T, p.Ser393Ile (NM_001413021.1, NM_001413022.1, NM_001413023.1 and 6 more transcripts); c.2120G>T, p.Ser707Ile (NM_001413025.1); c.1112G>T, p.Ser371Ile (NM_001413027.1, NM_001413032.1, NM_001413030.1 and 1 more transcripts); c.1898G>T, p.Ser633Ile (NM_001413029.1); c.2117G>T, p.Ser706Ile (NM_001413033.1); c.980G>T, p.Ser327Ile (NM_001413031.1); and 4 more; short protein forms S261I, S371I, S706I, S718I, S633I, S707I, S327I, S383I.
Identifiers: ClinVar variation 2754595 (VCV002754595.3), dbSNP rs2130680134, ClinGen allele CA372678480.
Genomic context (GRCh38, chr8:144,513,432, plus strand): 5'-GCCACCACCACCCGCAACTGGCCCTGCATGAAGGCTCGCTGTACCCGCCGCCGTTCCCGG[C>A]TGCACATGCCCGCGTGGTAGGCCTCGGCTGTGGTTTTGGGGGCACGACCTTTGGGGAAGA-3'
Protein context (NP_004251.4, residues 740-760): TAEAYHAGMC[Ser750Ile]RERRRVQRAF